The following is an entry in ClinVar:

NC_000011.9:g.(?_2683171)_(2683331_?)del

Genes: KCNQ1 (potassium voltage-gated channel subfamily Q member 1; plus strand), KCNQ1OT1 (KCNQ1 opposite strand/antisense transcript 1; minus strand). Cytogenetic location: 11p15.5.
Variant type: Deletion.
Identifiers: ClinVar variation 1457216 (VCV001457216.6).

ClinVar aggregate classification (germline): Pathogenic (1 of 4 stars; one submission).

Conditions:
Long QT syndrome (LQTS). Identifiers: MedGen C0023976, MeSH D008133, MONDO:0002442. Disease mechanism: loss of function. Inheritance: Various modes of inheritance.

Submission:

Labcorp Genetics (formerly Invitae), Labcorp
Classification: Pathogenic for Long QT syndrome. Last evaluated: 2021-11-24. Review status: criteria provided, single submitter. Criteria: Invitae Variant Classification Sherloc (09022015). Collection method: clinical testing. Allele origin: germline.
Comment: For these reasons, this variant has been classified as Pathogenic. This variant has not been reported in the literature in individuals affected with KCNQ1-related conditions. This variant is a gross deletion of the genomic region encompassing exon(s) 11 of the KCNQ1 gene. This deletion is out-of-frame, and is expected to create a premature termination codon and result in an absent or disrupted protein product. Loss-of-function variants in KCNQ1 are known to be pathogenic (PMID: 9323054, 19862833).

Literature cited by the submitters: PubMed 9323054; PubMed 19862833.